The following is an entry in ClinVar:

ClinVar aggregate classification (germline): Likely pathogenic. Review status: criteria provided, multiple submitters, no conflicts (2 of 4 stars). 2 submissions from 2 submitters: Likely pathogenic (2). Last evaluated 2025-03-17.

Conditions:
Autosomal recessive limb-girdle muscular dystrophy type 2B (LGMDR2). Also called: MUSCULAR DYSTROPHY, LIMB-GIRDLE, AUTOSOMAL RECESSIVE 2; MUSCULAR DYSTROPHY, LIMB-GIRDLE, TYPE 3; Limb-girdle muscular dystrophy, type 2B; Limb-Girdle Muscular Dystrophy Type 2B (LGMD2B). Identifiers: Orphanet 268, MedGen C1850889, MONDO:0009676, OMIM 253601.
Distal myopathy with anterior tibial onset. Identifiers: Orphanet 178400, MedGen C1847532, MONDO:0011721, OMIM 606768.
Miyoshi muscular dystrophy 1 (MMD1). Identifiers: Orphanet 45448, MedGen C4551973, MONDO:0024545, OMIM 254130.

Submissions (2):

Natera, Inc.
Classification: Likely pathogenic for Limb-girdle muscular dystrophy type 2B. Last evaluated: 2025-03-17. Review status: criteria provided, single submitter. Criteria: Natera Variant Classification Schema (03/2026). Collection method: clinical testing. Allele origin: germline.
Comment: The c.237-2del variant in DYSF is a canonical splice acceptor site variant predicted to affect pre-mRNA splicing, which may result in an abnormal transcript and altered protein product. This variant is expected to result in nonsense mediated decay, truncation, or a dysfunctional protein product. This variant is rare in the general population with a frequency below the threshold expected for the associated phenotype(s). Given the available evidence, this variant is classified as Likely Pathogenic.

Fulgent Genetics
Classification: Likely pathogenic for Autosomal recessive limb-girdle muscular dystrophy type 2B; Miyoshi muscular dystrophy 1; Distal myopathy with anterior tibial onset. Last evaluated: 2024-04-25. Review status: criteria provided, single submitter. Criteria: ACMG Guidelines, 2015. Collection method: clinical testing. Allele origin: germline.

NM_001130987.2(DYSF):c.240-2del

Gene: DYSF (dysferlin; plus strand). Cytogenetic location: 2p13.2.
Variant type: Deletion.
Coding change: c.240-2del on transcript NM_001130987.2 (MANE Select); the canonical splice acceptor site of the intron before coding-DNA position 240, one base deleted (A; older notation c.240-2delA).
Molecular consequence: splice acceptor variant.
Genome position (GRCh38, 1-based): chr2:71,503,212, A deleted. VCF-style (leftmost placement, unchanged base first): chr2-71503211-CA-C. GRCh37 (hg19) VCF-style: chr2-71730341-CA-C.
Other names: c.237-2del (NM_001130979.2, NM_001130981.2, NM_001130980.2 and 5 more transcripts); c.240-2del (NM_001130982.2, NM_001130985.2, NM_001130983.2 and 3 more transcripts).
Identifiers: ClinVar variation 3586908 (VCV003586908.3).